The following is an entry in ClinVar:

ClinVar aggregate classification (germline): Uncertain significance (1 of 4 stars; one submission).

gnomAD v4.1: 6 of 1,613,764 alleles (0.00037%); highest among the groups gnomAD compares: South Asian, 0.0011%; no homozygotes.

Submission:

Labcorp Genetics (formerly Invitae), Labcorp
Classification: Uncertain significance. Last evaluated: 2023-05-20. Review status: criteria provided, single submitter. Criteria: Invitae Variant Classification Sherloc (09022015). Collection method: clinical testing. Allele origin: germline.
Comment: This sequence change replaces alanine, which is neutral and non-polar, with valine, which is neutral and non-polar, at codon 702 of the CTNNB1 protein (p.Ala702Val). This variant is present in population databases (no rsID available, gnomAD 0.003%). This variant has not been reported in the literature in individuals affected with CTNNB1-related conditions. In summary, the available evidence is currently insufficient to determine the role of this variant in disease. Therefore, it has been classified as a Variant of Uncertain Significance. An algorithm developed to predict the effect of missense changes on protein structure and function (PolyPhen-2) suggests that this variant is likely to be tolerated.

NM_001904.4(CTNNB1):c.2105C>T (p.Ala702Val)

Gene: CTNNB1 (catenin beta 1; plus strand). Cytogenetic location: 3p22.1.
Variant type: single nucleotide variant.
Coding change: c.2105C>T on transcript NM_001904.4 (MANE Select); coding-DNA position 2105, C replaced by T.
Protein change: p.Ala702Val; replaces alanine 702 with valine.
Molecular consequence: missense variant.
Genome position (GRCh38, 1-based): chr3:41,238,044, C>T. VCF-style: chr3-41238044-C-T. GRCh37 (hg19) VCF-style: chr3-41279535-C-T.
Other names: c.2105C>T, p.Ala702Val (NM_001098209.2, NM_001098210.2); c.2084C>T, p.Ala695Val (NM_001330729.2); short protein forms A702V, A695V.
Identifiers: ClinVar variation 2976247 (VCV002976247.3), dbSNP rs1376703203, ClinGen allele CA352236951.